The following is an entry in ClinVar:

ClinVar aggregate classification (germline): Uncertain significance (1 of 4 stars; one submission).

Conditions:
Combined oxidative phosphorylation defect type 27. Also called: Combined oxidative phosphorylation deficiency 27. Identifiers: Orphanet 477774, MedGen C5567608, MONDO:0014728, OMIM 616672.

Submission:

Labcorp Genetics (formerly Invitae), Labcorp
Classification: Uncertain significance for Combined oxidative phosphorylation defect type 27. Last evaluated: 2021-12-02. Review status: criteria provided, single submitter. Criteria: Invitae Variant Classification Sherloc (09022015). Collection method: clinical testing. Allele origin: germline.
Comment: This variant has not been reported in the literature in individuals affected with CARS2-related conditions. In summary, the available evidence is currently insufficient to determine the role of this variant in disease. Therefore, it has been classified as a Variant of Uncertain Significance. Algorithms developed to predict the effect of missense changes on protein structure and function (SIFT, PolyPhen-2, Align-GVGD) all suggest that this variant is likely to be disruptive. This variant is not present in population databases (gnomAD no frequency). This sequence change replaces leucine, which is neutral and non-polar, with proline, which is neutral and non-polar, at codon 523 of the CARS2 protein (p.Leu523Pro).

NM_024537.4(CARS2):c.1568T>C (p.Leu523Pro)

Gene: CARS2 (cysteinyl-tRNA synthetase 2, mitochondrial; minus strand). Cytogenetic location: 13q34.
Variant type: single nucleotide variant.
Coding change: c.1568T>C on transcript NM_024537.4 (MANE Select); coding-DNA position 1568, T replaced by C.
Protein change: p.Leu523Pro; replaces leucine 523 with proline.
Molecular consequence: missense variant. On other transcripts: non-coding transcript variant (2).
Genome position (GRCh38, 1-based): chr13:110,642,370, A>G on the plus strand (T>C on the coding strand, the complement: CARS2 is on the minus strand). VCF-style: chr13-110642370-A-G. GRCh37 (hg19) VCF-style: chr13-111294717-A-G.
Other names: c.782T>C, p.Leu261Pro (NM_001352252.2); short protein forms L261P, L523P.
Identifiers: ClinVar variation 1473572 (VCV001473572.8), dbSNP rs2139666898, ClinGen allele CA388740182.